The following is an entry in ClinVar:

ClinVar aggregate classification (germline): Uncertain significance (1 of 4 stars; one submission).

Conditions:
Familial cold autoinflammatory syndrome 2 (FCAS2). Identifiers: Orphanet 247868, MedGen C2673198, MONDO:0012724, OMIM 611762.

Allele frequency attached by ClinVar (database versions not stated): gnomAD 0.00002.
gnomAD v4.1: 25 of 1,613,960 alleles (0.0015%); highest among the groups gnomAD compares: Non-Finnish European, 0.002%; no homozygotes.

Submission:

Labcorp Genetics (formerly Invitae), Labcorp
Classification: Uncertain significance for Familial cold autoinflammatory syndrome 2. Last evaluated: 2023-10-14. Review status: criteria provided, single submitter. Criteria: Invitae Variant Classification Sherloc (09022015). Collection method: clinical testing. Allele origin: germline.
Comment: This sequence change replaces asparagine, which is neutral and polar, with aspartic acid, which is acidic and polar, at codon 144 of the NLRP12 protein (p.Asn144Asp). This variant is present in population databases (rs771441641, gnomAD 0.006%). This variant has not been reported in the literature in individuals affected with NLRP12-related conditions. Advanced modeling of protein sequence and biophysical properties (such as structural, functional, and spatial information, amino acid conservation, physicochemical variation, residue mobility, and thermodynamic stability) has been performed at Invitae for this missense variant, however the output from this modeling did not meet the statistical confidence thresholds required to predict the impact of this variant on NLRP12 protein function. In summary, the available evidence is currently insufficient to determine the role of this variant in disease. Therefore, it has been classified as a Variant of Uncertain Significance.

NM_144687.4(NLRP12):c.430A>G (p.Asn144Asp)

Gene: NLRP12 (NLR family pyrin domain containing 12; minus strand). Cytogenetic location: 19q13.42.
Variant type: single nucleotide variant.
Coding change: c.430A>G on transcript NM_144687.4 (MANE Select); coding-DNA position 430, A replaced by G.
Protein change: p.Asn144Asp; replaces asparagine 144 with aspartic acid.
Molecular consequence: missense variant.
Genome position (GRCh38, 1-based): chr19:53,811,229, T>C on the plus strand (A>G on the coding strand, the complement: NLRP12 is on the minus strand). VCF-style: chr19-53811229-T-C. GRCh37 (hg19) VCF-style: chr19-54314483-T-C.
Other names: c.430A>G, p.Asn144Asp (NM_001277126.2, NM_001277129.1); short protein forms N144D.
Identifiers: ClinVar variation 2919603 (VCV002919603.3), dbSNP rs771441641, ClinGen allele CA9639711.